The following is an entry in ClinVar:

NM_016030.6(TRAPPC12):c.1201G>A (p.Gly401Arg)

Gene: TRAPPC12 (trafficking protein particle complex subunit 12; plus strand). Cytogenetic location: 2p25.3.
Variant type: single nucleotide variant.
Coding change: c.1201G>A on transcript NM_016030.6 (MANE Select); coding-DNA position 1201, G replaced by A.
Protein change: p.Gly401Arg; replaces glycine 401 with arginine.
Molecular consequence: missense variant.
Genome position (GRCh38, 1-based): chr2:3,421,917, G>A. VCF-style: chr2-3421917-G-A. GRCh37 (hg19) VCF-style: chr2-3425688-G-A.
Other names: c.1201G>A, p.Gly401Arg (NM_001321102.2); short protein forms G401R.
Identifiers: ClinVar variation 2186639 (VCV002186639.2), dbSNP rs750192956, ClinGen allele CA1515350.

ClinVar aggregate classification (germline): Uncertain significance (1 of 4 stars; one submission).

Allele frequency attached by ClinVar (database versions not stated): TOPMed below 0.00001; gnomAD exomes 0.00001; ExAC 0.00003.
gnomAD v4.1: 31 of 1,613,920 alleles (0.0019%); highest among the groups gnomAD compares: East Asian, 0.0045%; no homozygotes.

Submission:

Labcorp Genetics (formerly Invitae), Labcorp
Classification: Uncertain significance. Last evaluated: 2023-08-30. Review status: criteria provided, single submitter. Criteria: Invitae Variant Classification Sherloc (09022015). Collection method: clinical testing. Allele origin: germline.
Comment: In summary, the available evidence is currently insufficient to determine the role of this variant in disease. Therefore, it has been classified as a Variant of Uncertain Significance. Advanced modeling of protein sequence and biophysical properties (such as structural, functional, and spatial information, amino acid conservation, physicochemical variation, residue mobility, and thermodynamic stability) has been performed at Invitae for this missense variant, however the output from this modeling did not meet the statistical confidence thresholds required to predict the impact of this variant on TRAPPC12 protein function. ClinVar contains an entry for this variant (Variation ID: 2186639). This variant has not been reported in the literature in individuals affected with TRAPPC12-related conditions. This variant is present in population databases (rs750192956, gnomAD 0.007%). This sequence change replaces glycine, which is neutral and non-polar, with arginine, which is basic and polar, at codon 401 of the TRAPPC12 protein (p.Gly401Arg).